The following is an entry in ClinVar:

NM_004336.5(BUB1):c.431A>T (p.Gln144Leu)

Gene: BUB1 (BUB1 mitotic checkpoint serine/threonine kinase; minus strand). Cytogenetic location: 2q13.
Variant type: single nucleotide variant.
Coding change: c.431A>T on transcript NM_004336.5 (MANE Select); coding-DNA position 431, A replaced by T.
Protein change: p.Gln144Leu; replaces glutamine 144 with leucine.
Molecular consequence: missense variant.
Genome position (GRCh38, 1-based): chr2:110,670,560, T>A on the plus strand (A>T on the coding strand, the complement: BUB1 is on the minus strand). VCF-style: chr2-110670560-T-A. GRCh37 (hg19) VCF-style: chr2-111428137-T-A.
Other names: c.371A>T, p.Gln124Leu (NM_001278616.2); c.431A>T, p.Gln144Leu (NM_001278617.2); short protein forms Q124L, Q144L.
Identifiers: ClinVar variation 1739680 (VCV001739680.2), dbSNP rs1690394515, ClinGen allele CA348219657.

ClinVar aggregate classification (germline): Uncertain significance (1 of 4 stars; one submission).

Submission:

Ambry Genetics
Classification: Uncertain significance. Last evaluated: 2022-02-18. Review status: criteria provided, single submitter. Criteria: Ambry Variant Classification Scheme 2023. Collection method: clinical testing. Allele origin: germline.
Comment: The p.Q144L variant (also known as c.431A>T), located in coding exon 5 of the BUB1 gene, results from an A to T substitution at nucleotide position 431. The glutamine at codon 144 is replaced by leucine, an amino acid with dissimilar properties. This amino acid position is conserved. In addition, the in silico prediction for this alteration is inconclusive. Since supporting evidence is limited at this time, the clinical significance of this alteration remains unclear.